The following is an entry in ClinVar:

NM_001257291.2(SLC9A7):c.256C>T (p.Leu86Phe)

Gene: SLC9A7 (solute carrier family 9 member A7; minus strand). Cytogenetic location: Xp11.3.
Variant type: single nucleotide variant.
Coding change: c.256C>T on transcript NM_001257291.2 (MANE Select); coding-DNA position 256, C replaced by T.
Protein change: p.Leu86Phe; replaces leucine 86 with phenylalanine.
Molecular consequence: missense variant.
Genome position (GRCh38, 1-based): chrX:46,758,774, G>A on the plus strand (C>T on the coding strand, the complement: SLC9A7 is on the minus strand). VCF-style: chrX-46758774-G-A. GRCh37 (hg19) VCF-style: chrX-46618209-G-A.
Other names: c.256C>T, p.Leu86Phe (NM_032591.3); c.256C>T (NM_032591.1); short protein forms L86F.
Identifiers: ClinVar variation 2499177 (VCV002499177.2), dbSNP rs782428903, ClinGen allele CA413036819.

ClinVar aggregate classification (germline): Uncertain significance. Review status: criteria provided, multiple submitters, no conflicts (2 of 4 stars). 2 submissions from 2 submitters: Uncertain significance (2). Last evaluated 2025-03-25.

Submissions (2):

Ambry Genetics
Classification: Uncertain significance. Last evaluated: 2025-03-25. Review status: criteria provided, single submitter. Criteria: Ambry Variant Classification Scheme 2023. Collection method: clinical testing. Allele origin: germline.

GeneDx
Classification: Uncertain significance. Last evaluated: 2022-10-12. Review status: criteria provided, single submitter. Criteria: GeneDx Variant Classification Process June 2021. Collection method: clinical testing. Allele origin: germline. Affected: yes.
Comment: In silico analysis supports that this missense variant has a deleterious effect on protein structure/function; Has not been previously published as pathogenic or benign to our knowledge